The following is an entry in ClinVar:

ClinVar aggregate classification (germline): Uncertain significance. Review status: criteria provided, multiple submitters, no conflicts (2 of 4 stars). 2 submissions from 2 submitters: Uncertain significance (2). Last evaluated 2024-03-01.

Conditions:
Inborn genetic diseases. Identifiers: MedGen C0950123, MeSH D030342.
Leukoencephalopathy with vanishing white matter 1 (VWM1). Also called: CHILDHOOD ATAXIA WITH CENTRAL NERVOUS SYSTEM HYPOMYELINIZATION; Cree leukoencephalopathy; Vanishing white matter leukodystrophy; EIF2B1-Related Childhood Ataxia with Central Nervous System Hypomyelination/Vanishing White Matter. Identifiers: Orphanet 99854, MedGen C5779972, MONDO:0020507, OMIM 603896.

Allele frequency attached by ClinVar (database versions not stated): ExAC 0.00001; gnomAD 0.00001; TOPMed 0.00003.
gnomAD v4.1: 9 of 1,613,992 alleles (0.00056%); highest among the groups gnomAD compares: East Asian, 0.011%; no homozygotes.

Submissions (2):

Ambry Genetics
Classification: Uncertain significance for Inborn genetic diseases. Last evaluated: 2024-03-01. Review status: criteria provided, single submitter. Criteria: Ambry Variant Classification Scheme 2023. Collection method: clinical testing. Allele origin: germline.

Pittsburgh Clinical Genomics Laboratory, University of Pittsburgh Medical Center
Classification: Uncertain significance for Leukoencephalopathy with vanishing white matter 1. Last evaluated: 2022-12-27. Review status: criteria provided, single submitter. Criteria: ACMG Guidelines, 2015. Collection method: clinical testing. Allele origin: germline. Inheritance: Autosomal recessive inheritance. Affected: yes.
Comment: This sequence variant is a single nucleotide substitution (C>G) at coding position 502 of the EIF2B1 gene that results in a leucine to valine amino acid change at resiue 168 of the EIF2B1 protein. This variant has not been previously reported to databases of clinically relevant variants (ClinVar) or observed in the literature in individuals with EIF2B1-related illness, to our knowledge. This variant is found in heterozygous individuals in the gnomAD population database (4 of 251478 alleles or 0.0016%). Bioinformatic tools predict that this variant would be damaging, and the Leu168 residue is highly conserved across the vertebrate species examined. Functiol studies testing the effect of this variant have not been performed, to our knowledge. At this time, there is insufficient evidence to determine if this variant is pathogenic or benign. Therefore, we consider this to be a variant of uncertain significance. ACMG Criteria: PM2, PP3

NM_001414.4(EIF2B1):c.502C>G (p.Leu168Val)

Gene: EIF2B1 (eukaryotic translation initiation factor 2B subunit alpha; minus strand). Cytogenetic location: 12q24.31.
Variant type: single nucleotide variant.
Coding change: c.502C>G on transcript NM_001414.4 (MANE Select); coding-DNA position 502, C replaced by G.
Protein change: p.Leu168Val; replaces leucine 168 with valine.
Molecular consequence: missense variant.
Genome position (GRCh38, 1-based): chr12:123,626,474, G>C on the plus strand (C>G on the coding strand, the complement: EIF2B1 is on the minus strand). VCF-style: chr12-123626474-G-C. GRCh37 (hg19) VCF-style: chr12-124111021-G-C.
Other names: short protein forms L168V.
Identifiers: ClinVar variation 3087894 (VCV003087894.2), dbSNP rs764992455, ClinGen allele CA6860073.
Genomic context (GRCh38, chr12:123,626,474, plus strand): 5'-TGGGCACTCACCCGACAGCAGCATCTAGCACCACAGTGACAGGGACGTTGAGGTGGCAGA[G>C]GGCTTTGGCCATTTTCTTACTGAAGATGACATTTTGAGAACGTTAGAGAAAGTACAAGAC-3'
Protein context (NP_001405.1, residues 158-178): DLSGKKMAKA[Leu168Val]CHLNVPVTVV